The following is an entry in ClinVar:

NM_144997.7(FLCN):c.259_280del (p.Ser87fs)

Gene: FLCN (folliculin; minus strand). Cytogenetic location: 17p11.2.
Variant type: Deletion.
Coding change: c.259_280del on transcript NM_144997.7 (MANE Select); coding-DNA positions 259 to 280, 22 bases deleted (TCACTTGCTGCAGGGCACCCGG).
Protein change: p.Ser87fs; shifts the reading frame from serine 87.
Molecular consequence: frameshift variant.
Genome position (GRCh38, 1-based): chr17:17,226,292-17,226,313, CCGGGTGCCCTGCAGCAAGTGA deleted on the plus strand (TCACTTGCTGCAGGGCACCCGG on the coding strand, the reverse complement: FLCN is on the minus strand); deleting any 22 consecutive bases within chr17:17,226,292-17,226,317 gives the same sequence; the c. name uses the placement nearest the transcript's 3' end. VCF-style (leftmost placement, unchanged base first): chr17-17226291-CCCGGGTGCCCTGCAGCAAGTGA-C. GRCh37 (hg19) VCF-style: chr17-17129605-CCCGGGTGCCCTGCAGCAAGTGA-C.
Other names: c.259_280del, p.Ser87fs (NM_144606.7, NM_001353229.2, NM_001353230.2 and 1 more transcripts); short protein forms S87fs.
Identifiers: ClinVar variation 2570976 (VCV002570976.27), dbSNP rs2544283357, ClinGen allele CA2580614023.
Genomic context (GRCh38, chr17:17,226,291, plus strand): 5'-TGGCTGGGGTGCTGGTGGCTGACGTATTTAATGGAGGTCTCTTTATCATGGCTGATATAT[CCCGGGTGCCCTGCAGCAAGTGA>C]CCGGCAGCCCTGTCCATGAAAAGGAAAAGTAAATCTGTTAGTTGGGAAGCAGGGCGACAA-3'

ClinVar aggregate classification (germline): Pathogenic (1 of 4 stars; one submission).

Submission:

CeGaT Center for Human Genetics Tuebingen
Classification: Pathogenic. Last evaluated: 2023-04-01. Review status: criteria provided, single submitter. Criteria: CeGaT Center For Human Genetics Tuebingen Variant Classification Criteria Version 2. Collection method: clinical testing. Allele origin: germline. Affected: yes. Observed: 1 variant allele.
Comment: FLCN: PVS1, PM2